The following is an entry in ClinVar:

ClinVar aggregate classification (germline): Likely pathogenic (1 of 4 stars; one submission).

Conditions:
Neurofibromatosis, type 1 (NF1). Also called: Neurofibromatosis, type I; NEUROFIBROMATOSIS, TYPE I, SOMATIC; Peripheral type neurofibromatosis; VON RECKLINGHAUSEN DISEASE. Identifiers: Orphanet 636, MedGen C0027831, MONDO:0018975, OMIM 162200. Disease mechanism: loss of function.

Submission:

Labcorp Genetics (formerly Invitae), Labcorp
Classification: Likely pathogenic for Neurofibromatosis, type 1. Last evaluated: 2022-03-09. Review status: criteria provided, single submitter. Criteria: Invitae Variant Classification Sherloc (09022015). Collection method: clinical testing. Allele origin: germline.
Comment: This variant, c.4571_4573del, results in the deletion of 1 amino acid(s) of the NF1 protein (p.Tyr1524del), but otherwise preserves the integrity of the reading frame. In summary, the currently available evidence indicates that the variant is pathogenic, but additional data are needed to prove that conclusively. Therefore, this variant has been classified as Likely Pathogenic. This variant is not present in population databases (gnomAD no frequency). This variant has been observed in individual(s) with neurofibromatosis type 1 (Invitae). In at least one individual the variant was observed to be de novo. Experimental studies and prediction algorithms are not available or were not evaluated, and the functional significance of this variant is currently unknown.

NM_001042492.3(NF1):c.4634_4636del (p.Tyr1545del)

Gene: NF1 (neurofibromin 1; plus strand). Cytogenetic location: 17q11.2.
Variant type: Deletion.
Coding change: c.4634_4636del on transcript NM_001042492.3 (MANE Select); coding-DNA positions 4634 to 4636, 3 bases deleted (ACC; older notation c.4634_4636delACC).
Protein change: p.Tyr1545del; deletes tyrosine 1545.
Molecular consequence: inframe deletion. On other transcripts: inframe indel (1).
Genome position (GRCh38, 1-based): chr17:31,261,767-31,261,769, ACC deleted. VCF-style (leftmost placement, unchanged base first): chr17-31261766-TACC-T. GRCh37 (hg19) VCF-style: chr17-29588784-TACC-T.
Other names: c.4571_4573delACC, p.Tyr1524del (NM_000267.4); short protein forms Y1545del, Y1524del.
Identifiers: ClinVar variation 2039755 (VCV002039755.4), dbSNP rs2508429710, ClinGen allele CA2580093296.
Genomic context (GRCh38, chr17:31,261,766, plus strand): 5'-TCTAGGGATCATAAAGCTGTTGGAAGACGACCTTTTGATAAGATGGCAACACTTCTTGCA[TACC>T]TGGGTCCTCCAGAGCACAAACCTGTGGCAGATACACACTGGTCCAGCCTTAACCTTACCA-3'